The following is an entry in ClinVar:

NM_153252.5(BRWD3):c.2777A>C (p.Gln926Pro)

Gene: BRWD3 (bromodomain and WD repeat domain containing 3; minus strand). Cytogenetic location: Xq21.1.
Variant type: single nucleotide variant.
Coding change: c.2777A>C on transcript NM_153252.5 (MANE Select); coding-DNA position 2777, A replaced by C.
Protein change: p.Gln926Pro; replaces glutamine 926 with proline.
Molecular consequence: missense variant.
Genome position (GRCh38, 1-based): chrX:80,703,538, T>G on the plus strand (A>C on the coding strand, the complement: BRWD3 is on the minus strand). VCF-style: chrX-80703538-T-G. GRCh37 (hg19) VCF-style: chrX-79959037-T-G.
Other names: short protein forms Q926P.
Identifiers: ClinVar variation 3777483 (VCV003777483.1).

ClinVar aggregate classification (germline): Uncertain significance (1 of 4 stars; one submission).

Submission:

GeneDx
Classification: Uncertain significance. Last evaluated: 2024-10-08. Review status: criteria provided, single submitter. Criteria: GeneDx Variant Classification Process June 2021. Collection method: clinical testing. Allele origin: germline. Affected: yes.
Comment: Not observed at significant frequency in large population cohorts (gnomAD); In silico analysis indicates that this missense variant does not alter protein structure/function; Has not been previously published as pathogenic or benign to our knowledge